The following is an entry in ClinVar:

ClinVar aggregate classification (germline): Uncertain significance (1 of 4 stars; one submission).

Conditions:
Werner syndrome (WRN). Identifiers: Orphanet 902, MedGen C0043119, MONDO:0010196, OMIM 277700.

Allele frequency attached by ClinVar (database versions not stated): gnomAD exomes below 0.00001.
gnomAD v4.1: 1 of 1,614,016 alleles (0.000062%); highest among the groups gnomAD compares: Non-Finnish European, 0.000085%; no homozygotes.

Submission:

Labcorp Genetics (formerly Invitae), Labcorp
Classification: Uncertain significance for Werner syndrome. Last evaluated: 2025-11-17. Review status: criteria provided, single submitter. Criteria: Invitae Variant Classification Sherloc (09022015). Collection method: clinical testing. Allele origin: germline.
Comment: This sequence change replaces valine, which is neutral and non-polar, with glycine, which is neutral and non-polar, at codon 667 of the WRN protein (p.Val667Gly). This variant is not present in population databases (gnomAD no frequency). This variant has not been reported in the literature in individuals affected with WRN-related conditions. ClinVar contains an entry for this variant (Variation ID: 644148). An algorithm developed to predict the effect of missense changes on protein structure and function (PolyPhen-2) suggests that this variant is likely to be disruptive. In summary, the available evidence is currently insufficient to determine the role of this variant in disease. Therefore, it has been classified as a Variant of Uncertain Significance.

NM_000553.6(WRN):c.2000T>G (p.Val667Gly)

Gene: WRN (WRN RecQ like helicase; plus strand). Cytogenetic location: 8p12.
Variant type: single nucleotide variant.
Coding change: c.2000T>G on transcript NM_000553.6 (MANE Select); coding-DNA position 2000, T replaced by G.
Protein change: p.Val667Gly; replaces valine 667 with glycine.
Molecular consequence: missense variant.
Genome position (GRCh38, 1-based): chr8:31,100,867, T>G. VCF-style: chr8-31100867-T-G. GRCh37 (hg19) VCF-style: chr8-30958383-T-G.
Other names: short protein forms V667G.
Identifiers: ClinVar variation 644148 (VCV000644148.4), dbSNP rs1585455505, ClinGen allele CA370908273.